The following is an entry in ClinVar:

NM_000059.4(BRCA2):c.1687_1688insC (p.Trp563fs)

Gene: BRCA2 (BRCA2 DNA repair associated; plus strand). Cytogenetic location: 13q13.1.
Variant type: Insertion.
Coding change: c.1687_1688insC on transcript NM_000059.4 (MANE Select); coding-DNA positions 1687 to 1688, C inserted.
Protein change: p.Trp563fs; shifts the reading frame from tryptophan 563.
Molecular consequence: frameshift variant. On other transcripts: non-coding transcript variant (1), intron variant (1).
Genome position: GRCh38 VCF-style: chr13-32333165-T-TC. GRCh37 (hg19) VCF-style: chr13-32907302-T-TC.
Other names: c.1687_1688insC, p.Trp563fs (NM_001406719.1, NM_001406720.1, NM_001406721.1 and 1 more transcripts); c.424+2135_424+2136insC (NM_001406722.1); short protein forms W563fs.
Identifiers: ClinVar variation 4082327 (VCV004082327.1).

ClinVar aggregate classification (germline): Pathogenic (1 of 4 stars; one submission).

Conditions:
Hereditary cancer-predisposing syndrome. Also called: Tumor predisposition; Neoplastic Syndromes, Hereditary; Hereditary neoplastic syndrome; Hereditary Cancer Syndrome. Identifiers: Orphanet 140162, MedGen C0027672, MeSH D009386, MONDO:0015356.

Submission:

Molecular Diagnostics Laboratory, Catalan Institute of Oncology
Classification: Pathogenic for Hereditary cancer-predisposing syndrome. Last evaluated: 2025-08-27. Review status: criteria provided, single submitter. Criteria: ClinGen BRCA1BRCA2 ACMG Specifications BRCA2 V1.0.0. Collection method: clinical testing. Allele origin: germline.
Comment: PVS1, PM5_PTC_Strong c.1687_1688insC, located in exon 10 of the BRCA2 gene, consists in the insertion of 1 nucleotide, causing a translational frameshift with a predicted alternate stop codon, p.(Trp563Serfs*27). This alteration is expected to result in loss of function by premature protein truncation and nonsense-mediated mRNA decay (PVS1, PM5_PTC_Strong). No effect is predicted on splicing by SpliceAI. It is not present in the population database gnomAD v2.1.1, non cancer dataset. To our knowledge, neither relevant clinical data nor well-established functional studies have been reported for this variant. Also, it has not been reported in BRCA Exchange, ClinVar or LOVD databases. Based on the currently available evidence, c.1687_1688insC is classified as a pathogenic variant according to ClinGen-BRCA2 Guidelines v.1.0.0.